The following is an entry in ClinVar:

NM_000392.5(ABCC2):c.1435A>G (p.Ile479Val)

Gene: ABCC2 (ATP binding cassette subfamily C member 2; plus strand). Cytogenetic location: 10q24.2.
Variant type: single nucleotide variant.
Coding change: c.1435A>G on transcript NM_000392.5 (MANE Select); coding-DNA position 1435, A replaced by G.
Protein change: p.Ile479Val; replaces isoleucine 479 with valine.
Molecular consequence: missense variant.
Genome position (GRCh38, 1-based): chr10:99,804,244, A>G. VCF-style: chr10-99804244-A-G. GRCh37 (hg19) VCF-style: chr10-101564001-A-G.
Other names: short protein forms I479V.
Identifiers: ClinVar variation 2804643 (VCV002804643.3), dbSNP rs2492888051, ClinGen allele CA378107587.
Genomic context (GRCh38, chr10:99,804,244, plus strand): 5'-TTGGGACCCTCAGTCTTAGCAGGTGTTGGGGTGATGGTGCTTGTAATCCCAATTAATGCG[A>G]TACTGTCCACCAAGAGTAAGACCATTCAGGTAAAGAAAAAGTCACCCAGAAGAATATAAG-3'
Protein context (NP_000383.2, residues 469-489): VMVLVIPINA[Ile479Val]LSTKSKTIQV

ClinVar aggregate classification (germline): Uncertain significance (1 of 4 stars; one submission).

Allele frequency attached by ClinVar (database versions not stated): gnomAD exomes below 0.00001.
gnomAD v4.1: 1 of 1,614,108 alleles (0.000062%); highest among the groups gnomAD compares: Non-Finnish European, 0.000085%; no homozygotes.

Submission:

Labcorp Genetics (formerly Invitae), Labcorp
Classification: Uncertain significance. Last evaluated: 2023-12-15. Review status: criteria provided, single submitter. Criteria: Invitae Variant Classification Sherloc (09022015). Collection method: clinical testing. Allele origin: germline.
Comment: This sequence change replaces isoleucine, which is neutral and non-polar, with valine, which is neutral and non-polar, at codon 479 of the ABCC2 protein (p.Ile479Val). This variant is not present in population databases (gnomAD no frequency). This variant has not been reported in the literature in individuals affected with ABCC2-related conditions. Advanced modeling of protein sequence and biophysical properties (such as structural, functional, and spatial information, amino acid conservation, physicochemical variation, residue mobility, and thermodynamic stability) performed at Invitae indicates that this missense variant is not expected to disrupt ABCC2 protein function with a negative predictive value of 80%. In summary, the available evidence is currently insufficient to determine the role of this variant in disease. Therefore, it has been classified as a Variant of Uncertain Significance.